The following is an entry in ClinVar:

ClinVar aggregate classification (germline): Uncertain significance. Review status: criteria provided, multiple submitters, no conflicts (2 of 4 stars). 2 submissions from 2 submitters: Uncertain significance (2). Last evaluated 2025-10-13.

Conditions:
Inborn genetic diseases. Identifiers: MedGen C0950123, MeSH D030342.

gnomAD v4.1: 29 of 1,610,170 alleles (0.0018%); highest among the groups gnomAD compares: Admixed American, 0.028%; no homozygotes.

Submissions (2):

Labcorp Genetics (formerly Invitae), Labcorp
Classification: Uncertain significance. Last evaluated: 2025-10-13. Review status: criteria provided, single submitter. Criteria: Invitae Variant Classification Sherloc (09022015). Collection method: clinical testing. Allele origin: germline.
Comment: This sequence change replaces tyrosine, which is neutral and polar, with cysteine, which is neutral and slightly polar, at codon 364 of the PMPCA protein (p.Tyr364Cys). This variant is present in population databases (rs781137425, gnomAD 0.04%). This variant has not been reported in the literature in individuals affected with PMPCA-related conditions. ClinVar contains an entry for this variant (Variation ID: 3421405). Invitae Evidence Modeling of protein sequence and biophysical properties (such as structural, functional, and spatial information, amino acid conservation, physicochemical variation, residue mobility, and thermodynamic stability) indicates that this missense variant is expected to disrupt PMPCA protein function with a positive predictive value of 80%. In summary, the available evidence is currently insufficient to determine the role of this variant in disease. Therefore, it has been classified as a Variant of Uncertain Significance.

Ambry Genetics
Classification: Uncertain significance for Inborn genetic diseases. Last evaluated: 2024-08-01. Review status: criteria provided, single submitter. Criteria: Ambry Variant Classification Scheme 2023. Collection method: clinical testing. Allele origin: germline.

NM_015160.3(PMPCA):c.1091A>G (p.Tyr364Cys)

Gene: PMPCA (peptidase, mitochondrial processing subunit alpha; plus strand). Cytogenetic location: 9q34.3.
Variant type: single nucleotide variant.
Coding change: c.1091A>G on transcript NM_015160.3 (MANE Select); coding-DNA position 1091, A replaced by G.
Protein change: p.Tyr364Cys; replaces tyrosine 364 with cysteine.
Molecular consequence: missense variant.
Genome position (GRCh38, 1-based): chr9:136,418,655, A>G. VCF-style: chr9-136418655-A-G. GRCh37 (hg19) VCF-style: chr9-139313107-A-G.
Other names: c.698A>G, p.Tyr233Cys (NM_001282944.2); c.791A>G, p.Tyr264Cys (NM_001282946.2); short protein forms Y364C, Y233C, Y264C.
Identifiers: ClinVar variation 3421405 (VCV003421405.2).
Genomic context (GRCh38, chr9:136,418,655, plus strand): 5'-TGGGCGGAGGTGGCTCCTTCTCGGCTGGTGGGCCCGGCAAGGGCATGTTCTCCAGGCTCT[A>G]CCTCAACGTGCTCAACAGGTGGGTTGCACTCTTTTCTGTATCCTCAGGCCACCAGGCCAG-3'
Protein context (NP_055975.1, residues 354-374): GPGKGMFSRL[Tyr364Cys]LNVLNRHHWM